The following is an entry in ClinVar:

ClinVar aggregate classification (germline): Likely benign. Review status: criteria provided, multiple submitters, no conflicts (2 of 4 stars). 3 submissions from 3 submitters: Likely benign (3). Last evaluated 2025-11-06.

Allele frequency attached by ClinVar (database versions not stated): TOPMed 0.00013; ExAC 0.00015; ESP Exome Variant Server 0.00015; gnomAD 0.00017; gnomAD exomes 0.00024; 1000 Genomes Project 30x 0.00031; 1000 Genomes Project 0.00040.
gnomAD v4.1: 378 of 1,614,012 alleles (0.023%); highest among the groups gnomAD compares: East Asian, 0.036%; no homozygotes.

Submissions (3):

Labcorp Genetics (formerly Invitae), Labcorp
Classification: Likely benign. Last evaluated: 2025-11-06. Review status: criteria provided, single submitter. Criteria: Invitae Variant Classification Sherloc (09022015). Collection method: clinical testing. Allele origin: germline.

Blueprint Genetics
Classification: Likely benign. Last evaluated: 2024-11-25. Review status: criteria provided, single submitter. Criteria: ACMG Guidelines, 2015. Collection method: clinical testing. Allele origin: germline.

CeGaT Center for Human Genetics Tuebingen
Classification: Likely benign. Last evaluated: 2022-12-01. Review status: criteria provided, single submitter. Criteria: CeGaT Center For Human Genetics Tuebingen Variant Classification Criteria Version 2. Collection method: clinical testing. Allele origin: germline. Affected: yes. Observed: 1 variant allele.
Comment: GANAB: BP4, BP7

NM_198334.3(GANAB):c.1632C>T (p.Asn544=)

Gene: GANAB (glucosidase II alpha subunit; minus strand). Cytogenetic location: 11q12.3.
Variant type: single nucleotide variant.
Coding change: c.1632C>T on transcript NM_198334.3 (MANE Select); coding-DNA position 1632, C replaced by T.
Protein change: p.Asn544=; no amino-acid change (asparagine 544 retained).
Molecular consequence: synonymous variant.
Genome position (GRCh38, 1-based): chr11:62,629,919, G>A on the plus strand (C>T on the coding strand, the complement: GANAB is on the minus strand). VCF-style: chr11-62629919-G-A. GRCh37 (hg19) VCF-style: chr11-62397391-G-A.
Other names: c.1341C>T, p.Asn447= (NM_001329223.2, NM_001278194.2, NM_001329222.2); c.909C>T, p.Asn303= (NM_001329224.2, NM_001329225.2); c.1698C>T, p.Asn566= (NM_198335.4); c.1356C>T, p.Asn452= (NM_001278192.2); c.1290C>T, p.Asn430= (NM_001278193.2).
Identifiers: ClinVar variation 2641882 (VCV002641882.27), dbSNP rs78466497, ClinGen allele CA6050704.